The following is an entry in ClinVar:

NM_000361.3(THBD):c.1420C>T (p.Arg474Cys)

Gene: THBD (thrombomodulin; minus strand). Cytogenetic location: 20p11.21.
Variant type: single nucleotide variant.
Coding change: c.1420C>T on transcript NM_000361.3 (MANE Select); coding-DNA position 1420, C replaced by T.
Protein change: p.Arg474Cys; replaces arginine 474 with cysteine.
Molecular consequence: missense variant.
Genome position (GRCh38, 1-based): chr20:23,048,085, G>A on the plus strand (C>T on the coding strand, the complement: THBD is on the minus strand). VCF-style: chr20-23048085-G-A. GRCh37 (hg19) VCF-style: chr20-23028722-G-A.
Other names: short protein forms R474C.
Identifiers: ClinVar variation 2084147 (VCV002084147.4), dbSNP rs766214166, ClinGen allele CA9787560.
Genomic context (GRCh38, chr20:23,048,085, plus strand): 5'-CGCCAGAGCCGCTGTCGCCACCGTCCACCTTGCCGGAGTCACAGTCGGTGCCAATGTGGC[G>A]GGCAAGGGCCGAGTCGGGCCCGCAGATGCACTCGAAGGTACCGGGGAGGTTGTGGCACAC-3'
Protein context (NP_000352.1, residues 464-484): CICGPDSALA[Arg474Cys]HIGTDCDSGK

ClinVar aggregate classification (germline): Uncertain significance (1 of 4 stars; one submission).

Allele frequency attached by ClinVar (database versions not stated): gnomAD 0.00002; TOPMed 0.00002; ExAC 0.00003; gnomAD exomes 0.00006.
gnomAD v4.1: 93 of 1,612,356 alleles (0.0058%); highest among the groups gnomAD compares: Middle Eastern, 0.016%; no homozygotes.

Submission:

Labcorp Genetics (formerly Invitae), Labcorp
Classification: Uncertain significance. Last evaluated: 2025-10-08. Review status: criteria provided, single submitter. Criteria: Invitae Variant Classification Sherloc (09022015). Collection method: clinical testing. Allele origin: germline.
Comment: This sequence change replaces arginine, which is basic and polar, with cysteine, which is neutral and slightly polar, at codon 474 of the THBD protein (p.Arg474Cys). This variant is present in population databases (rs766214166, gnomAD 0.006%). This variant has not been reported in the literature in individuals affected with THBD-related conditions. ClinVar contains an entry for this variant (Variation ID: 2084147). Invitae Evidence Modeling of protein sequence and biophysical properties (such as structural, functional, and spatial information, amino acid conservation, physicochemical variation, residue mobility, and thermodynamic stability) indicates that this missense variant is not expected to disrupt THBD protein function with a negative predictive value of 80%. In summary, the available evidence is currently insufficient to determine the role of this variant in disease. Therefore, it has been classified as a Variant of Uncertain Significance.